The following is an entry in ClinVar:

ClinVar aggregate classification (germline): Uncertain significance (1 of 4 stars; one submission).

Submission:

GeneDx
Classification: Uncertain significance. Last evaluated: 2025-10-04. Review status: criteria provided, single submitter. Criteria: GeneDx Variant Classification Process June 2021. Collection method: clinical testing. Allele origin: germline. Affected: yes.
Comment: Not observed at significant frequency in large population cohorts (gnomAD); In silico analysis suggests that this missense variant does not alter protein structure/function; Has not been previously published as pathogenic or benign to our knowledge; This substitution is predicted to be in the cytoplasmic loop between the first and second homologous domains

NM_001040142.2(SCN2A):c.1439T>C (p.Ile480Thr)

Gene: SCN2A (sodium voltage-gated channel alpha subunit 2; plus strand). Cytogenetic location: 2q24.3.
Variant type: single nucleotide variant.
Coding change: c.1439T>C on transcript NM_001040142.2 (MANE Select); coding-DNA position 1439, T replaced by C.
Protein change: p.Ile480Thr; replaces isoleucine 480 with threonine.
Molecular consequence: missense variant.
Genome position (GRCh38, 1-based): chr2:165,315,526, T>C. VCF-style: chr2-165315526-T-C. GRCh37 (hg19) VCF-style: chr2-166172036-T-C.
Other names: c.1439T>C, p.Ile480Thr (NM_001040143.2, NM_001371246.1, NM_001371247.1 and 1 more transcripts); short protein forms I480T.
Identifiers: ClinVar variation 2572931 (VCV002572931.2), dbSNP rs1377414796, ClinGen allele CA349022818.